The following is an entry in ClinVar:

NM_017802.4(DNAAF5):c.1931+8C>T

Gene: DNAAF5 (dynein axonemal assembly factor 5; plus strand). Cytogenetic location: 7p22.3.
Variant type: single nucleotide variant.
Coding change: c.1931+8C>T on transcript NM_017802.4 (MANE Select); 8 bases into the intron after coding-DNA position 1931, C replaced by T.
Molecular consequence: intron variant.
Genome position (GRCh38, 1-based): chr7:770,626, C>T. VCF-style: chr7-770626-C-T. GRCh37 (hg19) VCF-style: chr7-810263-C-T.
Identifiers: ClinVar variation 260931 (VCV000260931.37), dbSNP rs145254596, ClinGen allele CA4110975.

ClinVar aggregate classification (germline): Likely benign. Review status: criteria provided, multiple submitters, no conflicts (2 of 4 stars). 5 submissions from 5 submitters: Likely benign (5). Last evaluated 2026-01-02.

Conditions:
Primary ciliary dyskinesia. Also called: Ciliary dyskinesia. Identifiers: Orphanet 244, MedGen C0008780, MONDO:0016575, HP:0012265.
Primary ciliary dyskinesia 18. Also called: CILIARY DYSKINESIA, PRIMARY, 18, WITH OR WITHOUT SITUS INVERSUS. Identifiers: Orphanet 244, MedGen C3543825, MONDO:0013940, OMIM 614874.

Allele frequency attached by ClinVar (database versions not stated): TOPMed 0.00120; gnomAD exomes 0.00127 and 0.00167; ExAC 0.00132; gnomAD 0.00133 and 0.00135; ESP Exome Variant Server 0.00177; 1000 Genomes Project 0.00180; 1000 Genomes Project 30x 0.00234.
gnomAD v4.1: 2,623 of 1,611,862 alleles (0.16%); highest among the groups gnomAD compares: Non-Finnish European, 0.19%; 6 homozygotes.

Submissions (5):

Labcorp Genetics (formerly Invitae), Labcorp
Classification: Likely benign for Primary ciliary dyskinesia. Last evaluated: 2026-01-02. Review status: criteria provided, single submitter. Criteria: Invitae Variant Classification Sherloc (09022015). Collection method: clinical testing. Allele origin: germline.

CeGaT Center for Human Genetics Tuebingen
Classification: Likely benign. Last evaluated: 2025-09-01. Review status: criteria provided, single submitter. Criteria: CeGaT Center For Human Genetics Tuebingen Variant Classification Criteria Version 2. Collection method: clinical testing. Allele origin: germline. Affected: yes. Observed: 3 variant alleles.
Comment: DNAAF5: BP4

ARUP Laboratories, Molecular Genetics and Genomics, ARUP Laboratories
Classification: Likely benign for Primary ciliary dyskinesia 18. Last evaluated: 2025-01-08. Review status: criteria provided, single submitter. Criteria: ARUP Molecular Germline Variant Investigation Process 2024. Collection method: clinical testing. Allele origin: germline.

Blueprint Genetics
Classification: Likely benign. Last evaluated: 2024-11-26. Review status: criteria provided, single submitter. Criteria: ACMG Guidelines, 2015. Collection method: clinical testing. Allele origin: germline.

PreventionGenetics, part of Exact Sciences
Classification: Likely benign. Review status: criteria provided, single submitter. Criteria: ACMG Guidelines, 2015. Collection method: clinical testing. Allele origin: germline.